The following is an entry in ClinVar:

ClinVar aggregate classification (germline): Uncertain significance. Review status: criteria provided, multiple submitters, no conflicts (2 of 4 stars). 2 submissions from 2 submitters: Uncertain significance (2). Last evaluated 2024-03-21.

Conditions:
Inborn genetic diseases. Identifiers: MedGen C0950123, MeSH D030342.

Allele frequency attached by ClinVar (database versions not stated): gnomAD exomes 0.00001; gnomAD 0.00002; TOPMed 0.00002.
gnomAD v4.1: 18 of 1,613,880 alleles (0.0011%); highest among the groups gnomAD compares: African/African-American, 0.0027%; no homozygotes.

Submissions (2):

Ambry Genetics
Classification: Uncertain significance for Inborn genetic diseases. Last evaluated: 2024-03-21. Review status: criteria provided, single submitter. Criteria: Ambry Variant Classification Scheme 2023. Collection method: clinical testing. Allele origin: germline.

Labcorp Genetics (formerly Invitae), Labcorp
Classification: Uncertain significance. Last evaluated: 2022-07-26. Review status: criteria provided, single submitter. Criteria: Invitae Variant Classification Sherloc (09022015). Collection method: clinical testing. Allele origin: germline.
Comment: This variant has not been reported in the literature in individuals affected with MTHFD1-related conditions. Algorithms developed to predict the effect of missense changes on protein structure and function (SIFT, PolyPhen-2, Align-GVGD) all suggest that this variant is likely to be tolerated. In summary, the available evidence is currently insufficient to determine the role of this variant in disease. Therefore, it has been classified as a Variant of Uncertain Significance. This variant is present in population databases (no rsID available, gnomAD 0.002%). This sequence change replaces threonine, which is neutral and polar, with serine, which is neutral and polar, at codon 111 of the MTHFD1 protein (p.Thr111Ser).

NM_005956.4(MTHFD1):c.331A>T (p.Thr111Ser)

Gene: MTHFD1 (methylenetetrahydrofolate dehydrogenase, cyclohydrolase and formyltetrahydrofolate synthetase 1; plus strand). Cytogenetic location: 14q23.3.
Variant type: single nucleotide variant.
Coding change: c.331A>T on transcript NM_005956.4 (MANE Select); coding-DNA position 331, A replaced by T.
Protein change: p.Thr111Ser; replaces threonine 111 with serine.
Molecular consequence: missense variant.
Genome position (GRCh38, 1-based): chr14:64,415,448, A>T. VCF-style: chr14-64415448-A-T. GRCh37 (hg19) VCF-style: chr14-64882166-A-T.
Other names: c.331A>T, p.Thr111Ser (NM_001364837.1); c.331A>T (NM_005956.3); short protein forms T111S.
Identifiers: ClinVar variation 1961289 (VCV001961289.4), dbSNP rs945395304, ClinGen allele CA261828874.
Genomic context (GRCh38, chr14:64,415,448, plus strand): 5'-GACTCTACTGTACATGGGTTCTTAGTGCAGCTACCTTTAGATTCAGAGAATTCCATTAAC[A>T]CTGAAGAAGTGATCAATGCTATTGCACCCGAGAAGGATGTGGATGGGTAAGTGTGGCTTG-3'
Protein context (NP_005947.3, residues 101-121): LPLDSENSIN[Thr111Ser]EEVINAIAPE